The following is an entry in ClinVar:

ClinVar aggregate classification (germline): Likely pathogenic (1 of 4 stars; one submission).

Submission:

GeneDx
Classification: Likely pathogenic. Last evaluated: 2018-09-24. Review status: criteria provided, single submitter. Criteria: GeneDx Variant Classification (06012015). Collection method: clinical testing. Allele origin: germline. Affected: yes.
Comment: The c.1177delG variant has not been published as a pathogenic variant, nor has it been reported as a benign variant to our knowledge. The c.1177delG variant is not observed in large population cohorts (Lek et al., 2016). The c.1177delG variant causes a frameshift starting with codon Glutamic acid 393, changes this amino acid to an Arginine residue and creates a premature Stop codon at position 4 of the new reading frame, denoted p.Glu393ArgfsX4. This variant is predicted to cause loss of normal protein function through protein truncation as the last 156 amino acids of the protein are lost and replaced with 3 incorrect amino acids. Therefore, this variant is likely pathogenic; however, the possibility that it is benign cannot be excluded.

NM_006494.4(ERF):c.1177del (p.Glu393fs)

Gene: ERF (ETS2 repressor factor; minus strand). Cytogenetic location: 19q13.2.
Variant type: Deletion.
Coding change: c.1177del on transcript NM_006494.4 (MANE Select); coding-DNA position 1177, one base deleted (G; older notation c.1177delG).
Protein change: p.Glu393fs; shifts the reading frame from glutamic acid 393.
Molecular consequence: frameshift variant.
Genome position (GRCh38, 1-based): chr19:42,248,935, C deleted on the plus strand (G on the coding strand, the reverse complement: ERF is on the minus strand); the first of 4 consecutive C bases (chr19:42,248,935-42,248,938); deleting any one gives the same sequence. VCF-style (leftmost placement, unchanged base first): chr19-42248934-TC-T. GRCh37 (hg19) VCF-style: chr19-42753086-TC-T.
Other names: c.952del, p.Glu318fs (NM_001301035.2, NM_001308402.2, NM_001312656.2); short protein forms E318fs, E393fs.
Identifiers: ClinVar variation 817254 (VCV000817254.1), dbSNP rs1599820741, ClinGen allele CA915953078.
Genomic context (GRCh38, chr19:42,248,934, plus strand): 5'-GCCCCCTCAGCCAGCCCGCCTGCACTGCCACCGCTCTTGTCAGCACCGGCTACGGCCTTC[TC>T]CCCAGCTGCCCGCTGCCGGCGTCCGAGTGGGGGCGGCTGGAGCTTAAACTTGAATGGGGA-3'